The following is an entry in ClinVar:

NM_022367.4(SEMA4A):c.1871G>T (p.Cys624Phe)

Gene: SEMA4A (semaphorin 4A; plus strand). Cytogenetic location: 1q22.
Variant type: single nucleotide variant.
Coding change: c.1871G>T on transcript NM_022367.4 (MANE Select); coding-DNA position 1871, G replaced by T.
Protein change: p.Cys624Phe; replaces cysteine 624 with phenylalanine.
Molecular consequence: missense variant.
Genome position (GRCh38, 1-based): chr1:156,176,582, G>T. VCF-style: chr1-156176582-G-T. GRCh37 (hg19) VCF-style: chr1-156146373-G-T.
Other names: c.1871G>T, p.Cys624Phe (NM_001193300.2, NM_001193301.2, NM_001370567.1); c.1475G>T, p.Cys492Phe (NM_001193302.2); c.1574G>T, p.Cys525Phe (NM_001370568.1); c.1364G>T, p.Cys455Phe (NM_001370569.1, NM_001370571.1); short protein forms C492F, C624F, C455F, C525F.
Identifiers: ClinVar variation 2857023 (VCV002857023.3), dbSNP rs2103014558, ClinGen allele CA342812246.

ClinVar aggregate classification (germline): Uncertain significance (1 of 4 stars; one submission).

Allele frequency attached by ClinVar (database versions not stated): gnomAD exomes below 0.00001.
gnomAD v4.1: 1 of 1,614,172 alleles (0.000062%); highest among the groups gnomAD compares: Admixed American, 0.0017%; no homozygotes.

Submission:

Labcorp Genetics (formerly Invitae), Labcorp
Classification: Uncertain significance. Last evaluated: 2024-01-25. Review status: criteria provided, single submitter. Criteria: Invitae Variant Classification Sherloc (09022015). Collection method: clinical testing. Allele origin: germline.
Comment: This sequence change replaces cysteine, which is neutral and slightly polar, with phenylalanine, which is neutral and non-polar, at codon 624 of the SEMA4A protein (p.Cys624Phe). This variant is not present in population databases (gnomAD no frequency). This variant has not been reported in the literature in individuals affected with SEMA4A-related conditions. Advanced modeling of protein sequence and biophysical properties (such as structural, functional, and spatial information, amino acid conservation, physicochemical variation, residue mobility, and thermodynamic stability) performed at Invitae indicates that this missense variant is expected to disrupt SEMA4A protein function with a positive predictive value of 80%. In summary, the available evidence is currently insufficient to determine the role of this variant in disease. Therefore, it has been classified as a Variant of Uncertain Significance.